The following is an entry in ClinVar:

ClinVar aggregate classification (germline): Conflicting classifications of pathogenicity. Review status: criteria provided, conflicting classifications (1 of 4 stars). 7 submissions from 7 submitters: Uncertain significance (4); Benign (1); Likely benign (2). Last evaluated 2026-05-01.

Conditions:
Alagille syndrome due to a JAG1 point mutation. Also called: JAG1-Related Alagille Syndrome; Alagille Syndrome 1; HEPATIC DUCTULAR HYPOPLASIA, SYNDROMATIC. Identifiers: Orphanet 261619, Orphanet 52, MedGen C1956125, MONDO:0016862, OMIM 118450.
JAG1-related disorder. Also called: JAG1-related disorders; JAG1-related condition.
Tetralogy of Fallot (TOF). Identifiers: Orphanet 3303, MedGen C0039685, MONDO:0008542, OMIM 187500, HP:0001636.
Deafness, congenital heart defects, and posterior embryotoxon (DCHE). Identifiers: MedGen C1866053, MONDO:0060713, OMIM 617992.
Charcot-Marie-Tooth disease, axonal, Type 2HH. Also called: CHARCOT-MARIE-TOOTH NEUROPATHY, TYPE 2HH. Identifiers: MedGen C5562003, MONDO:0030458, OMIM 619574.

Allele frequency attached by ClinVar (database versions not stated): gnomAD 0.00006; TOPMed 0.00021; 1000 Genomes Project 30x 0.00031.
gnomAD v4.1: 179 of 1,243,882 alleles (0.014%); highest among the groups gnomAD compares: Admixed American, 0.15%; no homozygotes.

Submissions (7):

CeGaT Center for Human Genetics Tuebingen
Classification: Likely benign. Last evaluated: 2026-05-01. Review status: criteria provided, single submitter. Criteria: CeGaT Center For Human Genetics Tuebingen Variant Classification Criteria Version 2. Collection method: clinical testing. Allele origin: germline. Affected: yes. Observed: 1 variant allele.
Comment: JAG1: BS1

Labcorp Genetics (formerly Invitae), Labcorp
Classification: Benign for Alagille syndrome due to a JAG1 point mutation. Last evaluated: 2026-02-01. Review status: criteria provided, single submitter. Criteria: Invitae Variant Classification Sherloc (09022015). Collection method: clinical testing. Allele origin: germline.

Blueprint Genetics
Classification: Likely benign. Last evaluated: 2024-10-02. Review status: criteria provided, single submitter. Criteria: ACMG Guidelines, 2015. Collection method: clinical testing. Allele origin: germline.

PreventionGenetics, part of Exact Sciences
Classification: Uncertain significance for JAG1-related condition. Last evaluated: 2023-03-08. Review status: criteria provided, single submitter. Criteria: ACMG Guidelines, 2015. Collection method: clinical testing. Allele origin: germline.
Comment: The JAG1 c.5G>T variant is predicted to result in the amino acid substitution p.Arg2Leu. This variant has been reported in the heterozygous state in an individual with congenital hypogonadotropic hypogonadism (CHH) (Cotellessa L et al. 2023, DOI: 10.1172/jci.insight.161998). This variant is reported in 0.12% (1/866) of alleles in individuals of Latino descent in gnomAD. At this time, the clinical significance of this variant is uncertain due to the absence of conclusive functional and genetic evidence.

Fulgent Genetics
Classification: Uncertain significance for Alagille syndrome due to a JAG1 point mutation; Tetralogy of Fallot; Deafness, congenital heart defects, and posterior embryotoxon; Charcot-Marie-Tooth disease, axonal, Type 2HH. Last evaluated: 2022-02-04. Review status: criteria provided, single submitter. Criteria: ACMG Guidelines, 2015. Collection method: clinical testing. Allele origin: unknown.

Illumina Laboratory Services, Illumina
Classification: Uncertain significance for Alagille syndrome due to a JAG1 point mutation. Last evaluated: 2020-06-15. Review status: criteria provided, single submitter. Criteria: ICSLVariantClassificationCriteria RUGD 01 April 2020. Collection method: clinical testing. Allele origin: unknown.
Comment: The JAG1 c.5G>T (p.Arg2Leu) variant is a missense variant. A literature search was conducted for the gene, cDNA change, and amino acid change. No publications were identified through this search. This variant is reported at a frequency of 0.000045 in the Total population from the Genome Aggregation Database, though this is based on two alleles in a region of good sequencing coverage in genomes so the variant is presumed to be rare. The arginine at position two is part of the signal peptide domain, which is involved in trafficking of the protein to the correct subcellular location. In silico algorithms differ in their predicted functional consequence of this variant, and its effect has not been investigated experimentally. Based on the limited evidence available, the p.Arg2Leu variant is classified as a variant of uncertain significance for Alagille syndrome.

Eurofins Ntd Llc (ga)
Classification: Uncertain significance. Last evaluated: 2017-10-04. Review status: criteria provided, single submitter. Criteria: EGL Classification Definitions 2015. Collection method: clinical testing. Allele origin: germline. Observed: 1 variant allele, 1 heterozygote.

NM_000214.3(JAG1):c.5G>T (p.Arg2Leu)

Gene: JAG1 (jagged canonical Notch ligand 1; minus strand). Cytogenetic location: 20p12.2.
Variant type: single nucleotide variant.
Coding change: c.5G>T on transcript NM_000214.3 (MANE Select); coding-DNA position 5, G replaced by T.
Protein change: p.Arg2Leu; replaces arginine 2 with leucine.
Molecular consequence: missense variant.
Genome position (GRCh38, 1-based): chr20:10,673,526, C>A on the plus strand (G>T on the coding strand, the complement: JAG1 is on the minus strand). VCF-style: chr20-10673526-C-A. GRCh37 (hg19) VCF-style: chr20-10654174-C-A.
Other names: c.5G>T, p.Arg2Leu (LRG_1191t1); short protein forms R2L.
Identifiers: ClinVar variation 594387 (VCV000594387.20), dbSNP rs1026004197, ClinGen allele CA311357585.